The following is an entry in ClinVar:

NM_021729.6(VPS11):c.1577A>G (p.Tyr526Cys)

Gene: VPS11 (VPS11 core subunit of CORVET and HOPS complexes; plus strand). Cytogenetic location: 11q23.3.
Variant type: single nucleotide variant.
Coding change: c.1577A>G on transcript NM_021729.6 (MANE Select); coding-DNA position 1577, A replaced by G.
Protein change: p.Tyr526Cys; replaces tyrosine 526 with cysteine.
Molecular consequence: missense variant. On other transcripts: non-coding transcript variant (8).
Genome position (GRCh38, 1-based): chr11:119,077,882, A>G. VCF-style: chr11-119077882-A-G. GRCh37 (hg19) VCF-style: chr11-118948592-A-G.
Other names: c.1547A>G, p.Tyr516Cys (NM_001290185.2); c.1589A>G, p.Tyr530Cys (NM_001378218.1, NM_001378219.1); c.1562A>G, p.Tyr521Cys (NM_001378220.1); c.1559A>G, p.Tyr520Cys (NM_001378221.1); short protein forms Y516C, Y530C, Y520C, Y521C, Y526C.
Identifiers: ClinVar variation 2178719 (VCV002178719.2), dbSNP rs976705036, ClinGen allele CA229637247.

ClinVar aggregate classification (germline): Uncertain significance (1 of 4 stars; one submission).

Allele frequency attached by ClinVar (database versions not stated): gnomAD exomes 0.00002; TOPMed 0.00002; gnomAD 0.00003.
gnomAD v4.1: 17 of 1,613,944 alleles (0.0011%); highest among the groups gnomAD compares: Admixed American, 0.027%; no homozygotes.

Submission:

Labcorp Genetics (formerly Invitae), Labcorp
Classification: Uncertain significance. Last evaluated: 2025-10-13. Review status: criteria provided, single submitter. Criteria: Invitae Variant Classification Sherloc (09022015). Collection method: clinical testing. Allele origin: germline.
Comment: This sequence change replaces tyrosine, which is neutral and polar, with cysteine, which is neutral and slightly polar, at codon 526 of the VPS11 protein (p.Tyr526Cys). This variant is present in population databases (no rsID available, gnomAD 0.03%). This variant has not been reported in the literature in individuals affected with VPS11-related conditions. ClinVar contains an entry for this variant (Variation ID: 2178719). Invitae Evidence Modeling of protein sequence and biophysical properties (such as structural, functional, and spatial information, amino acid conservation, physicochemical variation, residue mobility, and thermodynamic stability) indicates that this missense variant is not expected to disrupt VPS11 protein function with a negative predictive value of 80%. In summary, the available evidence is currently insufficient to determine the role of this variant in disease. Therefore, it has been classified as a Variant of Uncertain Significance.